The following is an entry in ClinVar:

ClinVar aggregate classification (germline): Uncertain significance. Review status: criteria provided, multiple submitters, no conflicts (2 of 4 stars). 3 submissions from 3 submitters: Uncertain significance (3). Last evaluated 2021-08-05.

Conditions:
Hereditary cancer-predisposing syndrome. Also called: Neoplastic Syndromes, Hereditary; Hereditary Cancer Syndrome; Tumor predisposition; Hereditary neoplastic syndrome. Identifiers: Orphanet 140162, MedGen C0027672, MeSH D009386, MONDO:0015356.
Ataxia-telangiectasia syndrome (AT). Also called: LOUIS-BAR SYNDROME; Cerebello-oculocutaneous telangiectasia; Immunodeficiency with ataxia telangiectasia; Ataxia-telangiectasia, complementation group D; AT, COMPLEMENTATION GROUP C; Ataxia-telangiectasia, complementation group E. Identifiers: Orphanet 100, MedGen C0004135, MONDO:0008840, OMIM 208900.

Submissions (3):

Labcorp Genetics (formerly Invitae), Labcorp
Classification: Uncertain significance for Ataxia-telangiectasia syndrome. Last evaluated: 2021-08-05. Review status: criteria provided, single submitter. Criteria: Invitae Variant Classification Sherloc (09022015). Collection method: clinical testing. Allele origin: germline.
Comment: In summary, the available evidence is currently insufficient to determine the role of this variant in disease. Therefore, it has been classified as a Variant of Uncertain Significance. Advanced modeling of protein sequence and biophysical properties (such as structural, functional, and spatial information, amino acid conservation, physicochemical variation, residue mobility, and thermodynamic stability) performed at Invitae indicates that this missense variant is expected to disrupt ATM protein function. ClinVar contains an entry for this variant (Variation ID: 489591). This variant has not been reported in the literature in individuals affected with ATM-related conditions. This variant is not present in population databases (ExAC no frequency). This sequence change replaces alanine with valine at codon 2626 of the ATM protein (p.Ala2626Val). The alanine residue is highly conserved and there is a small physicochemical difference between alanine and valine.

Ambry Genetics
Classification: Uncertain significance for Hereditary cancer-predisposing syndrome. Last evaluated: 2021-07-02. Review status: criteria provided, single submitter. Criteria: Ambry Variant Classification Scheme 2023. Collection method: clinical testing. Allele origin: germline.
Comment: The p.A2626V variant (also known as c.7877C>T), located in coding exon 52 of the ATM gene, results from a C to T substitution at nucleotide position 7877. The alanine at codon 2626 is replaced by valine, an amino acid with similar properties. This amino acid position is highly conserved in available vertebrate species. In addition, the in silico prediction for this alteration is inconclusive. Since supporting evidence is limited at this time, the clinical significance of this alteration remains unclear.

Color Diagnostics, LLC DBA Color Health
Classification: Uncertain significance for Hereditary cancer-predisposing syndrome. Last evaluated: 2018-09-18. Review status: criteria provided, single submitter. Criteria: ACMG Guidelines, 2015. Collection method: clinical testing. Allele origin: germline.

NM_000051.4(ATM):c.7877C>T (p.Ala2626Val)

Genes: C11orf65 (chromosome 11 open reading frame 65; minus strand), ATM (ATM serine/threonine kinase; plus strand). Cytogenetic location: 11q22.3.
Variant type: single nucleotide variant.
Coding change: c.7877C>T on transcript NM_000051.4 (MANE Select); coding-DNA position 7877, C replaced by T.
Protein change: p.Ala2626Val; replaces alanine 2626 with valine.
Molecular consequence: missense variant. On other transcripts: intron variant (2).
Genome position (GRCh38, 1-based): chr11:108,332,850, C>T. VCF-style: chr11-108332850-C-T. GRCh37 (hg19) VCF-style: chr11-108203577-C-T.
Other names: c.7877C>T, p.Ala2626Val (NM_001351834.2); c.641-23779G>A (NM_001330368.2); c.*38+2370G>A (NM_001351110.2); short protein forms A2626V.
Identifiers: ClinVar variation 489591 (VCV000489591.15), dbSNP rs1555125394, ClinGen allele CA382561427.